The following is an entry in ClinVar:

ClinVar aggregate classification (germline): Uncertain significance (1 of 4 stars; one submission).

Conditions:
Cortical dysplasia-focal epilepsy syndrome (PTHSL1). Also called: Pitt-Hopkins-like syndrome 1. Identifiers: Orphanet 163681, Orphanet 221150, MedGen C2750246, MONDO:0012400, OMIM 610042.

Submission:

Labcorp Genetics (formerly Invitae), Labcorp
Classification: Uncertain significance for Cortical dysplasia-focal epilepsy syndrome. Last evaluated: 2022-07-09. Review status: criteria provided, single submitter. Criteria: Invitae Variant Classification Sherloc (09022015). Collection method: clinical testing. Allele origin: germline.
Comment: In summary, the available evidence is currently insufficient to determine the role of this variant in disease. Therefore, it has been classified as a Variant of Uncertain Significance. Algorithms developed to predict the effect of missense changes on protein structure and function output the following: SIFT: "Deleterious"; PolyPhen-2: "Benign"; Align-GVGD: "Class C0". The proline amino acid residue is found in multiple mammalian species, which suggests that this missense change does not adversely affect protein function. This variant has not been reported in the literature in individuals affected with CNTNAP2-related conditions. This variant is not present in population databases (gnomAD no frequency). This sequence change replaces glutamine, which is neutral and polar, with proline, which is neutral and non-polar, at codon 647 of the CNTNAP2 protein (p.Gln647Pro).

NM_014141.6(CNTNAP2):c.1940A>C (p.Gln647Pro)

Gene: CNTNAP2 (contactin associated protein 2; plus strand). Cytogenetic location: 7q35.
Variant type: single nucleotide variant.
Coding change: c.1940A>C on transcript NM_014141.6 (MANE Select); coding-DNA position 1940, A replaced by C.
Protein change: p.Gln647Pro; replaces glutamine 647 with proline.
Molecular consequence: missense variant.
Genome position (GRCh38, 1-based): chr7:147,639,148, A>C. VCF-style: chr7-147639148-A-C. GRCh37 (hg19) VCF-style: chr7-147336240-A-C.
Other names: short protein forms Q647P.
Identifiers: ClinVar variation 2015413 (VCV002015413.4), dbSNP rs2536030078, ClinGen allele CA369926131.